The following is an entry in ClinVar:

ClinVar aggregate classification (germline): Benign/Likely benign. Review status: criteria provided, multiple submitters, no conflicts (2 of 4 stars). 4 submissions from 4 submitters: Benign (1); Likely benign (3). Last evaluated 2025-01-24.

Conditions:
Hereditary nonpolyposis colorectal neoplasms. Identifiers: MedGen C0009405, MeSH D003123.
Hereditary cancer-predisposing syndrome. Also called: Hereditary Cancer Syndrome; Hereditary neoplastic syndrome; Neoplastic Syndromes, Hereditary; Tumor predisposition. Identifiers: Orphanet 140162, MedGen C0027672, MeSH D009386, MONDO:0015356.
Lynch syndrome 4 (LYNCH4). Also called: Colorectal cancer, hereditary nonpolyposis, type 4; Hereditary non-polyposis colorectal cancer, type 4. Identifiers: Orphanet 144, MedGen C1838333, MONDO:0013699, OMIM 614337. Disease mechanism: loss of function.

Submissions (4):

Myriad Genetics, Inc.
Classification: Benign for Lynch syndrome 4. Last evaluated: 2025-01-24. Review status: criteria provided, single submitter. Criteria: Myriad Autosomal Dominant, Autosomal Recessive and X-Linked Classification Criteria (2023). Collection method: clinical testing. Allele origin: unknown.
Comment: This variant is considered benign. This variant is a silent/synonymous amino acid change and it is not expected to impact splicing.

Color Diagnostics, LLC DBA Color Health
Classification: Likely benign for Hereditary cancer-predisposing syndrome. Last evaluated: 2019-10-03. Review status: criteria provided, single submitter. Criteria: ACMG Guidelines, 2015. Collection method: clinical testing. Allele origin: germline.

Ambry Genetics
Classification: Likely benign for Hereditary cancer-predisposing syndrome. Last evaluated: 2018-04-30. Review status: criteria provided, single submitter. Criteria: Ambry Variant Classification Scheme 2023. Collection method: clinical testing. Allele origin: germline.

Labcorp Genetics (formerly Invitae), Labcorp
Classification: Likely benign for Hereditary nonpolyposis colorectal neoplasms. Last evaluated: 2018-03-27. Review status: criteria provided, single submitter. Criteria: Invitae Variant Classification Sherloc (09022015). Collection method: clinical testing. Allele origin: germline.

NM_000535.7(PMS2):c.441C>T (p.Thr147=)

Gene: PMS2 (PMS1 homolog 2, mismatch repair system component; minus strand). Cytogenetic location: 7p22.1.
Variant type: single nucleotide variant.
Coding change: c.441C>T on transcript NM_000535.7 (MANE Select); coding-DNA position 441, C replaced by T.
Protein change: p.Thr147=; no amino-acid change (threonine 147 retained).
Molecular consequence: synonymous variant. On other transcripts: 5 prime UTR variant (2), non-coding transcript variant (1).
Genome position (GRCh38, 1-based): chr7:6,002,549, G>A on the plus strand (C>T on the coding strand, the complement: PMS2 is on the minus strand). VCF-style: chr7-6002549-G-A. GRCh37 (hg19) VCF-style: chr7-6042180-G-A.
Other names: c.36C>T, p.Thr12= (NM_001322003.2, NM_001322004.2, NM_001322005.2 and 3 more transcripts); c.441C>T, p.Thr147= (NM_001322006.2, NM_001322014.2); c.123C>T, p.Thr41= (NM_001322007.2, NM_001322008.2); c.-444C>T (NM_001322011.2, NM_001322012.2); c.132C>T, p.Thr44= (NM_001322015.2).
Identifiers: ClinVar variation 756911 (VCV000756911.15), dbSNP rs1583403457, ClinGen allele CA453647657.